The following is an entry in ClinVar:

NM_017763.6(RNF43):c.1266A>G (p.Gln422=)

Gene: RNF43 (ring finger protein 43; minus strand). Cytogenetic location: 17q22.
Variant type: single nucleotide variant.
Coding change: c.1266A>G on transcript NM_017763.6 (MANE Select); coding-DNA position 1266, A replaced by G.
Protein change: p.Gln422=; no amino-acid change (glutamine 422 retained).
Molecular consequence: synonymous variant.
Genome position (GRCh38, 1-based): chr17:58,358,510, T>C on the plus strand (A>G on the coding strand, the complement: RNF43 is on the minus strand). VCF-style: chr17-58358510-T-C. GRCh37 (hg19) VCF-style: chr17-56435871-T-C.
Other names: c.1266A>G, p.Gln422= (NM_001305544.3, NM_001438820.1, NM_001438821.1 and 1 more transcripts); c.885A>G, p.Gln295= (NM_001305545.2, NM_001437987.1).
Identifiers: ClinVar variation 5042436 (VCV005042436.1).

ClinVar aggregate classification (germline): Benign (1 of 4 stars; one submission).

Conditions:
Sessile serrated polyposis cancer syndrome (SSPCS). Identifiers: Orphanet 157798, MedGen C4310714, MONDO:0014919, OMIM 617108.

gnomAD v4.1: 10 of 1,613,614 alleles (0.00062%); highest among the groups gnomAD compares: Non-Finnish European, 0.00076%; no homozygotes.

Submission:

Myriad Genetics, Inc.
Classification: Benign for Sessile serrated polyposis cancer syndrome. Last evaluated: 2026-07-01. Review status: criteria provided, single submitter. Criteria: Myriad Autosomal Dominant, Autosomal Recessive and X-Linked Classification Criteria (2023). Collection method: clinical testing. Allele origin: unknown.
Comment: This variant is considered benign. This variant is a silent/synonymous amino acid change and it is not expected to impact splicing.